The following is an entry in ClinVar:

NM_020745.4(AARS2):c.678C>T (p.Tyr226=)

Gene: AARS2 (alanyl-tRNA synthetase 2, mitochondrial; minus strand). Cytogenetic location: 6p21.1.
Variant type: single nucleotide variant.
Coding change: c.678C>T on transcript NM_020745.4 (MANE Select); coding-DNA position 678, C replaced by T.
Protein change: p.Tyr226=; no amino-acid change (tyrosine 226 retained).
Molecular consequence: synonymous variant.
Genome position (GRCh38, 1-based): chr6:44,311,065, G>A on the plus strand (C>T on the coding strand, the complement: AARS2 is on the minus strand). VCF-style: chr6-44311065-G-A. GRCh37 (hg19) VCF-style: chr6-44278802-G-A.
Other names: p.Y226Y:TAC>TAT.
Identifiers: ClinVar variation 136223 (VCV000136223.17), dbSNP rs78135749, ClinGen allele CA289195.
Genomic context (GRCh38, chr6:44,311,065, plus strand): 5'-CATGAAGACCAGGTTCCAAAGCTCTACCAGCTGGGGGGCTCCCACCCCACCAGCAAGGTC[G>A]TAGTGGATCTCAGTACAGGGCCCACAAGGGCCAGTATCCCCCATCTCCCAGAAGTTCTCT-3'
Protein context (NP_065796.2, residues 216-236): GPCGPCTEIH[Tyr226=]DLAGGVGAPQ

ClinVar aggregate classification (germline): Benign/Likely benign. Review status: criteria provided, multiple submitters, no conflicts (2 of 4 stars). 6 submissions from 6 submitters: Benign (2); Likely benign (3). 1 of the submissions does not count toward it. Last evaluated 2025-07-24.

Conditions:
AARS2-related disorder. Also called: AARS2-related disorders; AARS2-related condition. Identifiers: MedGen CN381518, MONDO:1060240.

Allele frequency attached by ClinVar (database versions not stated): gnomAD 0.00023 and 0.00028; gnomAD exomes 0.00026 and 0.00051; TOPMed 0.00028; ESP Exome Variant Server 0.00038; ExAC 0.00050; 1000 Genomes Project 0.00120; 1000 Genomes Project 30x 0.00125.

Submissions (6):

Molecular Diagnostic Laboratory for Inherited Cardiovascular Disease, Montreal Heart Institute
Classification: Likely benign. Last evaluated: 2025-07-24. Review status: criteria provided, single submitter. Criteria: ACMG Guidelines, 2015. Collection method: clinical testing. Allele origin: germline. Affected: no.
Comment: BS1;BP7

Labcorp Genetics (formerly Invitae), Labcorp
Classification: Benign. Last evaluated: 2025-04-09. Review status: criteria provided, single submitter. Criteria: Invitae Variant Classification Sherloc (09022015). Collection method: clinical testing. Allele origin: germline.

Women's Health and Genetics/Laboratory Corporation of America, LabCorp
Classification: Likely benign. Last evaluated: 2025-03-12. Review status: criteria provided, single submitter. Criteria: LabCorp Variant Classification Summary - May 2015. Collection method: clinical testing. Allele origin: germline.

Blueprint Genetics
Classification: Likely benign. Last evaluated: 2024-07-23. Review status: criteria provided, single submitter. Criteria: ACMG Guidelines, 2015. Collection method: clinical testing. Allele origin: germline.

GeneDx
Classification: Benign. Last evaluated: 2014-04-25. Review status: criteria provided, single submitter. Criteria: GeneDx Variant Classification (06012015). Collection method: clinical testing. Allele origin: germline. Affected: yes.
Comment: This variant is considered likely benign or benign based on one or more of the following criteria: it is a conservative change, it occurs at a poorly conserved position in the protein, it is predicted to be benign by multiple in silico algorithms, and/or has population frequency not consistent with disease.

PreventionGenetics, part of Exact Sciences
Classification: Likely benign for AARS2-related condition. Last evaluated: 2020-02-17. Review status: no assertion criteria provided. Collection method: clinical testing. Allele origin: germline. Not counted in ClinVar's aggregate classification.
Comment: This variant is classified as likely benign based on ACMG/AMP sequence variant interpretation guidelines (Richards et al. 2015 PMID: 25741868, with internal and published modifications).